The following is an entry in ClinVar:

ClinVar aggregate classification (germline): Conflicting classifications of pathogenicity. Review status: criteria provided, conflicting classifications (1 of 4 stars). 2 submissions from 2 submitters: Uncertain significance (1); Likely benign (1). Last evaluated 2023-03-23.

Conditions:
Hereditary breast ovarian cancer syndrome. Also called: Hereditary breast and ovarian cancer syndrome (HBOC); BRCA1- and BRCA2-Associated Hereditary Breast and Ovarian Cancer; Hereditary breast and ovarian cancer syndrome; Breast and ovarian cancer; Hereditary breast and ovarian cancer; Hereditary breast and/or ovarian cancer syndrome. Identifiers: Orphanet 145, MedGen C0677776, MeSH D061325, MONDO:0003582. Disease mechanism: loss of function.
Hereditary cancer-predisposing syndrome. Also called: Hereditary neoplastic syndrome; Neoplastic Syndromes, Hereditary; Tumor predisposition; Hereditary Cancer Syndrome. Identifiers: Orphanet 140162, MedGen C0027672, MeSH D009386, MONDO:0015356.

Submissions (2):

University of Washington Department of Laboratory Medicine, University of Washington
Classification: Likely benign for Hereditary cancer-predisposing syndrome. Last evaluated: 2023-03-23. Review status: criteria provided, single submitter. Criteria: Dines et al. (Genet Med. 2020). Collection method: curation. Allele origin: germline.
Comment: Missense variant in a coldspot region where missense variants are very unlikely to be pathogenic (PMID:31911673).

BRCA2 exon 10 coldspot. Reclassification based on statistical prior probability.

Labcorp Genetics (formerly Invitae), Labcorp
Classification: Uncertain significance for Hereditary breast ovarian cancer syndrome. Last evaluated: 2017-10-03. Review status: criteria provided, single submitter. Criteria: Invitae Variant Classification Sherloc (09022015). Collection method: clinical testing. Allele origin: germline.
Comment: This variant is not present in population databases (ExAC no frequency). This sequence change replaces valine with glycine at codon 300 of the BRCA2 protein (p.Val300Gly). The valine residue is weakly conserved and there is a moderate physicochemical difference between valine and glycine. This variant has not been reported in the literature in individuals with BRCA2-related disease. In summary, the available evidence is currently insufficient to determine the role of this variant in disease. Therefore, it has been classified as a Variant of Uncertain Significance. Algorithms developed to predict the effect of missense changes on protein structure and function output the following: SIFT: "Tolerated"; PolyPhen-2: "Benign"; Align-GVGD: "Class C0". The glycine amino acid residue is found in multiple mammalian species, suggesting that this missense change does not adversely affect protein function. These predictions have not been confirmed by published functional studies and their clinical significance is uncertain.

NM_000059.4(BRCA2):c.899T>G (p.Val300Gly)

Gene: BRCA2 (BRCA2 DNA repair associated; plus strand). Cytogenetic location: 13q13.1.
Variant type: single nucleotide variant.
Coding change: c.899T>G on transcript NM_000059.4 (MANE Select); coding-DNA position 899, T replaced by G.
Protein change: p.Val300Gly; replaces valine 300 with glycine.
Molecular consequence: missense variant.
Genome position (GRCh38, 1-based): chr13:32,332,377, T>G. VCF-style: chr13-32332377-T-G. GRCh37 (hg19) VCF-style: chr13-32906514-T-G.
Other names: short protein forms V300G.
Identifiers: ClinVar variation 531403 (VCV000531403.10), dbSNP rs1555281625, ClinGen allele CA387760677.